The following is an entry in ClinVar:

ClinVar aggregate classification (germline): Conflicting classifications of pathogenicity. Review status: criteria provided, conflicting classifications (1 of 4 stars). 3 submissions from 3 submitters: Pathogenic (1); Uncertain significance (1). 1 of the submissions does not count toward it. Last evaluated 2025-12-13.

Conditions:
Benign neonatal seizures. Also called: Convulsions benign familial neonatal dominant form; Autosomal dominant form of benign neonatal seizures; Benign familial neonatal seizures; Benign neonatal familial convulsions; Benign familial neonatal epilepsy. Identifiers: Orphanet 1949, MedGen C0220669, MONDO:0016027.
Seizure. Also called: Seizures. Identifiers: MedGen C0036572, HP:0001250.
Intellectual disability. Also called: Intellectual functioning disability; Intellectual developmental disorder; intellectual disabilities. Identifiers: MedGen C3714756, MeSH D008607, MONDO:0001071, HP:0001249.

Submissions (3):

Labcorp Genetics (formerly Invitae), Labcorp
Classification: Pathogenic for Benign neonatal seizures. Last evaluated: 2025-12-13. Review status: criteria provided, single submitter. Criteria: Invitae Variant Classification Sherloc (09022015). Collection method: clinical testing. Allele origin: germline.
Comment: This sequence change creates a premature translational stop signal (p.Phe534Ilefs*15) in the KCNQ3 gene. It is expected to result in an absent or disrupted protein product. Loss-of-function variants in KCNQ3 are known to be pathogenic (PMID: 29383681, 29852413). The frequency data for this variant in the population databases is considered unreliable, as metrics indicate poor data quality at this position in the gnomAD database. This premature translational stop signal has been observed in individual(s) with KCNQ3-related conditions (PMID: 31440727). ClinVar contains an entry for this variant (Variation ID: 205978). For these reasons, this variant has been classified as Pathogenic.

GeneDx
Classification: Uncertain significance. Last evaluated: 2025-03-14. Review status: criteria provided, single submitter. Criteria: GeneDx Variant Classification Process June 2021. Collection method: clinical testing. Allele origin: germline. Affected: yes.
Comment: Observed in homozygous state in a patient with neonatalonset epilepsy and intellectual disability in published literature (PMID: 31440727); Published functional studies suggest that the c.1599dupA variant decreases KCNQ3 transcript levels and impairs ability of KCNQ3 subunits to assemble into functional homomeric or heteromeric channels with KCNQ2 (PMID: 31440727); Frameshift variant predicted to result in protein truncation or nonsense mediated decay in a gene or region of a gene for which loss of function is not a well-established mechanism of disease; This variant is associated with the following publications: (PMID: 33799276, 31440727, 33057194, 35982159)

Equipe Genetique des Anomalies du Developpement, Université de Bourgogne
Classification: Pathogenic for Seizure; Intellectual disability. Last evaluated: 2017-02-22. Review status: no assertion criteria provided. Collection method: clinical testing. Allele origin: inherited. Affected: yes. Not counted in ClinVar's aggregate classification.

Literature cited by the submitters: PubMed 29383681 (cited by Labcorp Genetics (formerly Invitae), Labcorp); PubMed 29852413 (cited by Labcorp Genetics (formerly Invitae), Labcorp); PubMed 31440727 (cited by Labcorp Genetics (formerly Invitae), Labcorp).

NM_004519.4(KCNQ3):c.1599dup (p.Phe534fs)

Gene: KCNQ3 (potassium voltage-gated channel subfamily Q member 3; minus strand). Cytogenetic location: 8q24.22.
Variant type: Duplication.
Coding change: c.1599dup on transcript NM_004519.4 (MANE Select); coding-DNA position 1599, one base duplicated (A; older notation c.1599dupA).
Protein change: p.Phe534fs; shifts the reading frame from phenylalanine 534.
Molecular consequence: frameshift variant.
Genome position (GRCh38, 1-based): chr8:132,137,986, T duplicated on the plus strand (A on the coding strand, the reverse complement: KCNQ3 is on the minus strand); the first of 9 consecutive T bases (chr8:132,137,986-132,137,994); duplicating any one gives the same sequence. VCF-style (leftmost placement, unchanged base first): chr8-132137985-A-AT. GRCh37 (hg19) VCF-style: chr8-133150232-A-AT.
Other names: c.1239dup, p.Phe414fs (NM_001204824.2); c.1599dupA (NM_004519.3); c.1599dup (NM_004519.3); short protein forms F414fs, F534fs.
Identifiers: ClinVar variation 205978 (VCV000205978.13), dbSNP rs762289015, ClinGen allele CA315623.